The following is an entry in ClinVar:

ClinVar aggregate classification (germline): Conflicting classifications of pathogenicity. Review status: criteria provided, conflicting classifications (1 of 4 stars). 7 submissions from 7 submitters: Uncertain significance (4); Likely benign (3). Last evaluated 2026-01-13.

Conditions:
Ataxia-telangiectasia-like disorder (ATLD). Identifiers: MedGen C1858391, MONDO:0011457.
Hereditary cancer-predisposing syndrome. Also called: Hereditary Cancer Syndrome; Neoplastic Syndromes, Hereditary; Hereditary neoplastic syndrome; Tumor predisposition. Identifiers: Orphanet 140162, MedGen C0027672, MeSH D009386, MONDO:0015356.
Hereditary breast ovarian cancer syndrome. Also called: BRCA1- and BRCA2-Associated Hereditary Breast and Ovarian Cancer; Hereditary breast and ovarian cancer syndrome; Hereditary breast and/or ovarian cancer syndrome; Breast and ovarian cancer; Hereditary breast and ovarian cancer; Hereditary breast and ovarian cancer syndrome (HBOC). Identifiers: Orphanet 145, MedGen C0677776, MeSH D061325, MONDO:0003582. Disease mechanism: loss of function.
Ataxia-telangiectasia-like disorder 1 (ATLD1). Identifiers: Orphanet 251347, MedGen C4012790, MONDO:0024557, OMIM 604391.

Allele frequency attached by ClinVar (database versions not stated): gnomAD 0.00006 and 0.00011; TOPMed 0.00015; ExAC 0.00016; gnomAD exomes 0.00016 and 0.00018; 1000 Genomes Project 30x 0.00094; 1000 Genomes Project 0.00120.

Submissions (7):

Labcorp Genetics (formerly Invitae), Labcorp
Classification: Uncertain significance for Ataxia-telangiectasia-like disorder. Last evaluated: 2026-01-13. Review status: criteria provided, single submitter. Criteria: Invitae Variant Classification Sherloc (09022015). Collection method: clinical testing. Allele origin: germline.
Comment: This sequence change replaces methionine, which is neutral and non-polar, with valine, which is neutral and non-polar, at codon 157 of the MRE11 protein (p.Met157Val). This variant is present in population databases (rs147771140, gnomAD 0.2%). This variant has not been reported in the literature in individuals affected with MRE11-related conditions. ClinVar contains an entry for this variant (Variation ID: 142476). An algorithm developed to predict the effect of missense changes on protein structure and function outputs the following: PolyPhen-2: "Benign". The valine amino acid residue is found in multiple mammalian species, which suggests that this missense change does not adversely affect protein function. In summary, the available evidence is currently insufficient to determine the role of this variant in disease. Therefore, it has been classified as a Variant of Uncertain Significance.

Women's Health and Genetics/Laboratory Corporation of America, LabCorp
Classification: Uncertain significance. Last evaluated: 2025-11-21. Review status: criteria provided, single submitter. Criteria: LabCorp Variant Classification Summary - May 2015. Collection method: clinical testing. Allele origin: germline.
Comment: Variant summary: MRE11 c.469A>G (p.Met157Val) results in a conservative amino acid change in the encoded protein sequence. Algorithms developed to predict the effect of missense changes on protein structure and function all suggest that this variant is likely to be tolerated. The variant allele was found at a frequency of 0.00018 in 282428 control chromosomes (gnomAD). This frequency is not significantly higher than estimated for disease-causing variants in MRE11, allowing no conclusion about variant significance. c.469A>G has been observed in individuals affected with breast cancer, as well as unaffected controls (e.g., Dorling_2021). These reports do not provide unequivocal conclusions about association of the variant with Ataxia Telangiectasia-Like Disorder. To our knowledge, no experimental evidence demonstrating an impact on protein function has been reported. The following publication has been ascertained in the context of this evaluation (PMID: 33471991). ClinVar contains an entry for this variant (Variation ID: 142476). Based on the evidence outlined above, the variant was classified as uncertain significance.

Athena Diagnostics
Classification: Likely benign. Last evaluated: 2025-06-27. Review status: criteria provided, single submitter. Criteria: Athena Diagnostics Criteria. Collection method: clinical testing. Allele origin: unknown.
Comment: The frequency of this variant in the general population is higher than would generally be expected for pathogenic variants in this gene. Computational tools predict this amino acid change may be benign.

Quest Diagnostics Nichols Institute San Juan Capistrano
Classification: Likely benign. Last evaluated: 2021-12-02. Review status: criteria provided, single submitter. Criteria: Quest Diagnostics criteria. Collection method: clinical testing. Allele origin: unknown.

Cancer Genomics Group, Japanese Foundation For Cancer Research
Classification: Uncertain significance for Hereditary breast and ovarian cancer syndrome. Last evaluated: 2019-05-01. Review status: criteria provided, single submitter. Criteria: ACMG Guidelines, 2015. Collection method: research. Allele origin: germline. Affected: yes.

Ambry Genetics
Classification: Likely benign for Hereditary cancer-predisposing syndrome. Last evaluated: 2018-12-11. Review status: criteria provided, single submitter. Criteria: Ambry Variant Classification Scheme 2023. Collection method: clinical testing. Allele origin: germline.

Illumina Laboratory Services, Illumina
Classification: Uncertain significance for Ataxia-telangiectasia-like disorder 1. Last evaluated: 2018-01-12. Review status: criteria provided, single submitter. Criteria: ICSL Variant Classification Criteria 13 December 2019. Collection method: clinical testing. Allele origin: germline.

Literature cited by the submitters: PubMed 33471991 (cited by Women's Health and Genetics/Laboratory Corporation of America, LabCorp); PubMed 11196167 (cited by 3 submitters); PubMed 30982232 (cited by Athena Diagnostics).

NM_005591.4(MRE11):c.469A>G (p.Met157Val)

Gene: MRE11 (MRE11 double strand break repair nuclease; minus strand). Cytogenetic location: 11q21.
Variant type: single nucleotide variant.
Coding change: c.469A>G on transcript NM_005591.4 (MANE Select); coding-DNA position 469, A replaced by G.
Protein change: p.Met157Val; replaces methionine 157 with valine.
Molecular consequence: missense variant.
Genome position (GRCh38, 1-based): chr11:94,478,810, T>C on the plus strand (A>G on the coding strand, the complement: MRE11 is on the minus strand). VCF-style: chr11-94478810-T-C. GRCh37 (hg19) VCF-style: chr11-94211976-T-C.
Other names: c.469A>G, p.Met157Val (NM_001330347.2, NM_005590.4); short protein forms M157V.
Identifiers: ClinVar variation 142476 (VCV000142476.33), dbSNP rs147771140, ClinGen allele CA333266.